The following is an entry in ClinVar:

ClinVar aggregate classification (germline): Uncertain significance. Review status: criteria provided, multiple submitters, no conflicts (2 of 4 stars). 3 submissions from 3 submitters: Uncertain significance (2). 1 of the submissions does not count toward it. Last evaluated 2025-04-17.

Conditions:
Optic atrophy. Identifiers: MedGen C0029124, MONDO:0003608, HP:0000648.

Allele frequency attached by ClinVar (database versions not stated): gnomAD exomes below 0.00001 and 0.00001; gnomAD 0.00001; TOPMed 0.00001.
gnomAD v4.1: 19 of 1,613,284 alleles (0.0012%); highest among the groups gnomAD compares: Non-Finnish European, 0.0014%; no homozygotes.

Submissions (3):

Labcorp Genetics (formerly Invitae), Labcorp
Classification: Uncertain significance. Last evaluated: 2025-04-17. Review status: criteria provided, single submitter. Criteria: Invitae Variant Classification Sherloc (09022015). Collection method: clinical testing. Allele origin: germline.
Comment: This sequence change falls in intron 25 of the CACNA2D4 gene. It does not directly change the encoded amino acid sequence of the CACNA2D4 protein. It affects a nucleotide within the consensus splice site. This variant is present in population databases (no rsID available, gnomAD 0.0009%). This variant has not been reported in the literature in individuals affected with CACNA2D4-related conditions. ClinVar contains an entry for this variant (Variation ID: 1518670). Variants that disrupt the consensus splice site are a relatively common cause of aberrant splicing (PMID: 17576681, 9536098). Algorithms developed to predict the effect of sequence changes on RNA splicing suggest that this variant is not likely to affect RNA splicing. In summary, the available evidence is currently insufficient to determine the role of this variant in disease. Therefore, it has been classified as a Variant of Uncertain Significance.

Blueprint Genetics
Classification: Uncertain significance. Last evaluated: 2019-12-03. Review status: criteria provided, single submitter. Criteria: ACMG Guidelines, 2015. Collection method: clinical testing. Allele origin: germline.

Institute of Human Genetics, Univ. Regensburg, Univ. Regensburg
Classification: Uncertain significance for Optic atrophy. Last evaluated: 2023-01-01. Review status: no assertion criteria provided. Criteria: ACMG Guidelines, 2015. Collection method: clinical testing. Allele origin: germline. Affected: yes. Not counted in ClinVar's aggregate classification.

Literature cited by the submitters: PubMed 17576681 (cited by Labcorp Genetics (formerly Invitae), Labcorp); PubMed 9536098 (cited by Labcorp Genetics (formerly Invitae), Labcorp).

NM_172364.5(CACNA2D4):c.2470+3A>G

Gene: CACNA2D4 (calcium voltage-gated channel auxiliary subunit alpha2delta 4; minus strand). Cytogenetic location: 12p13.33.
Variant type: single nucleotide variant.
Coding change: c.2470+3A>G on transcript NM_172364.5 (MANE Select); 3 bases into the intron after coding-DNA position 2470, A replaced by G.
Molecular consequence: intron variant.
Genome position (GRCh38, 1-based): chr12:1,844,399, T>C on the plus strand (A>G on the coding strand, the complement: CACNA2D4 is on the minus strand). VCF-style: chr12-1844399-T-C. GRCh37 (hg19) VCF-style: chr12-1953565-T-C.
Identifiers: ClinVar variation 1518670 (VCV001518670.8), dbSNP rs972139903, ClinGen allele CA231558591.